The following is an entry in ClinVar:

NM_001083614.2(EARS2):c.730G>A (p.Val244Met)

Gene: EARS2 (glutamyl-tRNA synthetase 2, mitochondrial; minus strand). Cytogenetic location: 16p12.2.
Variant type: single nucleotide variant.
Coding change: c.730G>A on transcript NM_001083614.2 (MANE Select); coding-DNA position 730, G replaced by A.
Protein change: p.Val244Met; replaces valine 244 with methionine.
Molecular consequence: missense variant. On other transcripts: non-coding transcript variant (1).
Genome position (GRCh38, 1-based): chr16:23,535,116, C>T on the plus strand (G>A on the coding strand, the complement: EARS2 is on the minus strand). VCF-style: chr16-23535116-C-T. GRCh37 (hg19) VCF-style: chr16-23546437-C-T.
Other names: c.730G>A, p.Val244Met (NM_001308211.1); short protein forms V244M.
Identifiers: ClinVar variation 1697076 (VCV001697076.5), dbSNP rs769256010, ClinGen allele CA7962515.

ClinVar aggregate classification (germline): Uncertain significance. Review status: criteria provided, multiple submitters, no conflicts (2 of 4 stars). 3 submissions from 3 submitters: Uncertain significance (3). Last evaluated 2025-11-01.

Conditions:
Inborn genetic diseases. Identifiers: MedGen C0950123, MeSH D030342.

Allele frequency attached by ClinVar (database versions not stated): ExAC 0.00001; gnomAD exomes 0.00001 and 0.00002; TOPMed 0.00003; gnomAD 0.00004.

Submissions (3):

GeneDx
Classification: Uncertain significance. Last evaluated: 2025-11-01. Review status: criteria provided, single submitter. Criteria: GeneDx Variant Classification Process June 2021. Collection method: clinical testing. Allele origin: germline. Affected: yes.
Comment: Not observed at significant frequency in large population cohorts (gnomAD); In silico analysis supports that this missense variant has a deleterious effect on protein structure/function; Has not been previously published as pathogenic or benign to our knowledge

Ambry Genetics
Classification: Uncertain significance for Inborn genetic diseases. Last evaluated: 2025-08-21. Review status: criteria provided, single submitter. Criteria: Ambry Variant Classification Scheme 2023. Collection method: clinical testing. Allele origin: germline.

Blueprint Genetics
Classification: Uncertain significance. Last evaluated: 2023-05-29. Review status: criteria provided, single submitter. Criteria: ACMG Guidelines, 2015. Collection method: clinical testing. Allele origin: germline.